The following is an entry in ClinVar:

NM_000273.3(GPR143):c.1155A>C (p.Ala385=)

Gene: GPR143 (G protein-coupled receptor 143; minus strand). Cytogenetic location: Xp22.2.
Variant type: single nucleotide variant.
Coding change: c.1155A>C on transcript NM_000273.3 (MANE Select); coding-DNA position 1155, A replaced by C.
Protein change: p.Ala385=; no amino-acid change (alanine 385 retained).
Molecular consequence: synonymous variant.
Genome position (GRCh38, 1-based): chrX:9,725,806, T>G on the plus strand (A>C on the coding strand, the complement: GPR143 is on the minus strand). VCF-style: chrX-9725806-T-G. GRCh37 (hg19) VCF-style: chrX-9693846-T-G.
Other names: c.1155A>C (NM_000273.2).
Identifiers: ClinVar variation 1166084 (VCV001166084.11), dbSNP rs377013842, ClinGen allele CA10344872.
Genomic context (GRCh38, chrX:9,725,806, plus strand): 5'-TCATAGGTCTCCATGGGTTGGGAGAGCAGGGTCACCCTCATTTTTGTTGCAGGATTCACT[T>G]GCAGTGTGAATTTCAATTGTGCTGGCATCAGAACCTGGAGAGGAAAAGACAAAAGACTGA-3'
Protein context (NP_000264.2, residues 375-395): SDASTIEIHT[Ala385=]SESCNKNEGD

ClinVar aggregate classification (germline): Benign/Likely benign. Review status: criteria provided, multiple submitters, no conflicts (2 of 4 stars). 3 submissions from 3 submitters: Benign (1); Likely benign (2). Last evaluated 2026-08-05.

Conditions:
GPR143-related disorder. Also called: GPR143-related condition.

Allele frequency attached by ClinVar (database versions not stated): gnomAD 0.00002; gnomAD exomes 0.00003; TOPMed 0.00003; ExAC 0.00004; ESP Exome Variant Server 0.00009.
gnomAD v4.1: 35 of 1,207,208 alleles (0.0029%); highest among the groups gnomAD compares: Middle Eastern, 0.023%; no homozygotes.

Submissions (3):

PreventionGenetics, part of Exact Sciences
Classification: Likely benign for GPR143-related condition. Last evaluated: 2026-08-05. Review status: criteria provided, single submitter. Criteria: ACMG Guidelines, 2015. Collection method: clinical testing. Allele origin: germline.
Comment: This variant is classified as likely benign based on ACMG/AMP sequence variant interpretation guidelines (Richards et al. 2015 PMID: 25741868, with internal and published modifications).

Labcorp Genetics (formerly Invitae), Labcorp
Classification: Benign. Last evaluated: 2024-07-31. Review status: criteria provided, single submitter. Criteria: Invitae Variant Classification Sherloc (09022015). Collection method: clinical testing. Allele origin: germline.

Blueprint Genetics
Classification: Likely benign. Last evaluated: 2021-03-31. Review status: criteria provided, single submitter. Criteria: ACMG Guidelines, 2015. Collection method: clinical testing. Allele origin: germline.